The following is an entry in ClinVar:

NM_001330588.2(TPP2):c.3291T>G (p.Ile1097Met)

Gene: TPP2 (tripeptidyl peptidase 2; plus strand). Cytogenetic location: 13q33.1.
Variant type: single nucleotide variant.
Coding change: c.3291T>G on transcript NM_001330588.2 (MANE Select); coding-DNA position 3291, T replaced by G.
Protein change: p.Ile1097Met; replaces isoleucine 1097 with methionine.
Molecular consequence: missense variant. On other transcripts: non-coding transcript variant (1).
Genome position (GRCh38, 1-based): chr13:102,664,845, T>G. VCF-style: chr13-102664845-T-G. GRCh37 (hg19) VCF-style: chr13-103317195-T-G.
Other names: c.3252T>G, p.Ile1084Met (NM_001367947.1, NM_003291.4); short protein forms I1084M, I1097M.
Identifiers: ClinVar variation 2982509 (VCV002982509.3), dbSNP rs2504101278, ClinGen allele CA388508034.

ClinVar aggregate classification (germline): Uncertain significance (1 of 4 stars; one submission).

Conditions:
Evans syndrome, immunodeficiency, and premature immunosenescence associated with tripeptidyl-peptidase II deficiency. Identifiers: MedGen CN231723. Disease mechanism: loss of function.

Submission:

Labcorp Genetics (formerly Invitae), Labcorp
Classification: Uncertain significance for Evans syndrome, immunodeficiency, and premature immunosenescence associated with tripeptidyl-peptidase II deficiency. Last evaluated: 2023-06-14. Review status: criteria provided, single submitter. Criteria: Invitae Variant Classification Sherloc (09022015). Collection method: clinical testing. Allele origin: germline.
Comment: In summary, the available evidence is currently insufficient to determine the role of this variant in disease. Therefore, it has been classified as a Variant of Uncertain Significance. An algorithm developed to predict the effect of missense changes on protein structure and function (PolyPhen-2) suggests that this variant is likely to be tolerated. This variant has not been reported in the literature in individuals affected with TPP2-related conditions. This variant is not present in population databases (gnomAD no frequency). This sequence change replaces isoleucine, which is neutral and non-polar, with methionine, which is neutral and non-polar, at codon 1084 of the TPP2 protein (p.Ile1084Met).